The following is an entry in ClinVar:

ClinVar aggregate classification (germline): Uncertain significance. Review status: criteria provided, multiple submitters, no conflicts (2 of 4 stars). 3 submissions from 3 submitters: Uncertain significance (3). Last evaluated 2026-02-18.

Conditions:
Maturity-onset diabetes of the young, type 12. Identifiers: MedGen C6012723, MONDO:0978299, OMIM 621196.

Submissions (3):

Dasa
Classification: Uncertain significance. Last evaluated: 2026-02-18. Review status: criteria provided, single submitter. Criteria: DASA Assertion Criteria. Collection method: clinical testing. Allele origin: germline.
Comment: NM_000352.6(ABCC8):c.2973G>C (p.Gln991His) is a missense variant that results in the substitution of glutamine with histidine. This variant is absent from population databases. The currently available literature and clinical evidence are not sufficient to establish a definitive association between this variant and the reported condition. Therefore, this variant is classified as a variant of uncertain significance.

Laboratorio de Biologia Molecular - Genetica, Hospital de Pediatria Garrahan
Classification: Uncertain significance for Maturity-onset diabetes of the young, type 12. Last evaluated: 2026-01-16. Review status: criteria provided, single submitter. Criteria: ACMG Guidelines, 2015. Collection method: clinical testing. Allele origin: germline. Affected: yes. Observed: 1 variant allele.
Comment: The c.2973G>C variant in the ABCC8 gene is not present in population databases (gnomAD no frequency) (PM2_supporting). This sequence change is predicted to replace glutamine, which is neutral and polar, with histidine, which is basic and polar, at codon 991 of the ABCC8 protein (p.Gln991His). This variant has not been reported in the literature in individuals affected with ABCC8-related conditions. ClinVar contains an entry for this variant (Variation ID: 2985255 ). In silico analyses do not support a deleterious effect of the c.2973G>C p.Gln991His variant on protein function. In summary, the available evidence is currently insufficient to determine the role of this variant in disease. Therefore, it has been classified as a Variant of Uncertain Significance.

Labcorp Genetics (formerly Invitae), Labcorp
Classification: Uncertain significance. Last evaluated: 2023-08-21. Review status: criteria provided, single submitter. Criteria: Invitae Variant Classification Sherloc (09022015). Collection method: clinical testing. Allele origin: germline.
Comment: In summary, the available evidence is currently insufficient to determine the role of this variant in disease. Therefore, it has been classified as a Variant of Uncertain Significance. This variant is not present in population databases (gnomAD no frequency). This sequence change replaces glutamine, which is neutral and polar, with histidine, which is basic and polar, at codon 991 of the ABCC8 protein (p.Gln991His). This variant has not been reported in the literature in individuals affected with ABCC8-related conditions. Advanced modeling of protein sequence and biophysical properties (such as structural, functional, and spatial information, amino acid conservation, physicochemical variation, residue mobility, and thermodynamic stability) performed at Invitae indicates that this missense variant is not expected to disrupt ABCC8 protein function. Algorithms developed to predict the effect of sequence changes on RNA splicing suggest that this variant may disrupt the consensus splice site.

NM_000352.6(ABCC8):c.2973G>C (p.Gln991His)

Gene: ABCC8 (ATP binding cassette subfamily C member 8; minus strand). Cytogenetic location: 11p15.1.
Variant type: single nucleotide variant.
Coding change: c.2973G>C on transcript NM_000352.6 (MANE Select); coding-DNA position 2973, G replaced by C.
Protein change: p.Gln991His; replaces glutamine 991 with histidine.
Molecular consequence: missense variant. On other transcripts: non-coding transcript variant (1).
Genome position (GRCh38, 1-based): chr11:17,407,077, C>G on the plus strand (G>C on the coding strand, the complement: ABCC8 is on the minus strand). VCF-style: chr11-17407077-C-G. GRCh37 (hg19) VCF-style: chr11-17428624-C-G.
Other names: c.2976G>C, p.Gln992His (NM_001287174.3); c.3039G>C, p.Gln1013His (NM_001351295.2); c.2973G>C, p.Gln991His (NM_001351296.2); c.2970G>C, p.Gln990His (NM_001351297.2); short protein forms Q1013H, Q990H, Q991H, Q992H.
Identifiers: ClinVar variation 2985255 (VCV002985255.6), dbSNP rs369865194, ClinGen allele CA379804099.